The following is an entry in ClinVar:

ClinVar aggregate classification (germline): Uncertain significance (1 of 4 stars; one submission).

Submission:

Ambry Genetics
Classification: Uncertain significance. Last evaluated: 2025-11-10. Review status: criteria provided, single submitter. Criteria: Ambry Variant Classification Scheme 2023. Collection method: clinical testing. Allele origin: germline.
Comment: The p.Q635K variant (also known as c.1903C>A), located in coding exon 1 of the TET2 gene, results from a C to A substitution at nucleotide position 1903. The glutamine at codon 635 is replaced by lysine, an amino acid with similar properties. This amino acid position is conserved. In addition, this alteration is predicted to be tolerated by in silico analysis. Based on the available evidence, the clinical significance of this variant remains unclear.

NM_001127208.3(TET2):c.1903C>A (p.Gln635Lys)

Genes: TET2 (tet methylcytosine dioxygenase 2; plus strand), TET2-AS1 (TET2 antisense RNA 1; minus strand). Cytogenetic location: 4q24.
Variant type: single nucleotide variant.
Coding change: c.1903C>A on transcript NM_001127208.3 (MANE Select); coding-DNA position 1903, C replaced by A.
Protein change: p.Gln635Lys; replaces glutamine 635 with lysine.
Molecular consequence: missense variant.
Genome position (GRCh38, 1-based): chr4:105,235,845, C>A. VCF-style: chr4-105235845-C-A. GRCh37 (hg19) VCF-style: chr4-106157002-C-A.
Other names: c.1903C>A, p.Gln635Lys (NM_017628.4); short protein forms Q635K.
Identifiers: ClinVar variation 4594195 (VCV004594195.1).
Genomic context (GRCh38, chr4:105,235,845, plus strand): 5'-CTCCCAAGGCAAGCTTACACCCAGAAAACAACACAGCTGGAGCACAAGTCACAAATGTAC[C>A]AAGTTGAAATGAATCAAGGGCAGTCCCAAGGTACAGTGGACCAACATCTCCAGTTCCAAA-3'
Protein context (NP_001120680.1, residues 625-645): TQLEHKSQMY[Gln635Lys]VEMNQGQSQG